The following is an entry in ClinVar:

ClinVar aggregate classification (germline): Uncertain significance (1 of 4 stars; one submission).

Conditions:
X-linked distal spinal muscular atrophy type 3. Also called: SPINAL MUSCULAR ATROPHY, DISTAL, X-LINKED RECESSIVE; NEURONOPATHY, DISTAL HEREDITARY MOTOR, X-LINKED; NEUROPATHY, DISTAL HEREDITARY MOTOR, X-LINKED; ATP7A-Related Distal Motor Neuropathy. Identifiers: Orphanet 139557, MedGen C1845359, MONDO:0010338, OMIM 300489.
Menkes kinky-hair syndrome (MNK). Also called: Copper transport disease; Classic Menkes Disease; Menkes Disease. Identifiers: Orphanet 565, MedGen C0022716, MONDO:0010651, OMIM 309400.
Cutis laxa, X-linked (OHS). Also called: EDS IX; Occipital horn syndrome. Identifiers: Orphanet 198, MedGen C0268353, MONDO:0010572, OMIM 304150.

Submission:

Labcorp Genetics (formerly Invitae), Labcorp
Classification: Uncertain significance for X-linked distal spinal muscular atrophy type 3; Cutis laxa, X-linked; Menkes kinky-hair syndrome. Last evaluated: 2023-08-24. Review status: criteria provided, single submitter. Criteria: Invitae Variant Classification Sherloc (09022015). Collection method: clinical testing. Allele origin: germline.
Comment: Advanced modeling of protein sequence and biophysical properties (such as structural, functional, and spatial information, amino acid conservation, physicochemical variation, residue mobility, and thermodynamic stability) performed at Invitae indicates that this missense variant is not expected to disrupt ATP7A protein function. In summary, the available evidence is currently insufficient to determine the role of this variant in disease. Therefore, it has been classified as a Variant of Uncertain Significance. ClinVar contains an entry for this variant (Variation ID: 1718695). This variant has not been reported in the literature in individuals affected with ATP7A-related conditions. This variant is not present in population databases (gnomAD no frequency). This sequence change replaces isoleucine, which is neutral and non-polar, with methionine, which is neutral and non-polar, at codon 930 of the ATP7A protein (p.Ile930Met).

NM_000052.7(ATP7A):c.2790C>G (p.Ile930Met)

Gene: ATP7A (ATPase copper transporting alpha; plus strand). Cytogenetic location: Xq21.1.
Variant type: single nucleotide variant.
Coding change: c.2790C>G on transcript NM_000052.7 (MANE Select); coding-DNA position 2790, C replaced by G.
Protein change: p.Ile930Met; replaces isoleucine 930 with methionine.
Molecular consequence: missense variant.
Genome position (GRCh38, 1-based): chrX:78,020,953, C>G. VCF-style: chrX-78020953-C-G. GRCh37 (hg19) VCF-style: chrX-77276450-C-G.
Other names: c.2556C>G, p.Ile852Met (NM_001282224.2); short protein forms I852M, I930M.
Identifiers: ClinVar variation 1718695 (VCV001718695.6), dbSNP rs2149100114, ClinGen allele CA413602702.